The following is an entry in ClinVar:

ClinVar aggregate classification (germline): Uncertain significance (1 of 4 stars; one submission).

Conditions:
Arrhythmogenic right ventricular dysplasia 13. Also called: ARRHYTHMOGENIC RIGHT VENTRICULAR CARDIOMYOPATHY 13; Arrhythmogenic right ventricular dysplasia, familial, 13. Identifiers: MedGen C3810138, MONDO:0000908, OMIM 615616.

Allele frequency attached by ClinVar (database versions not stated): gnomAD exomes below 0.00001; gnomAD 0.00001.
gnomAD v4.1: 4 of 1,612,782 alleles (0.00025%); highest among the groups gnomAD compares: Non-Finnish European, 0.00034%; no homozygotes.

Submission:

Labcorp Genetics (formerly Invitae), Labcorp
Classification: Uncertain significance for Arrhythmogenic right ventricular dysplasia 13. Last evaluated: 2024-02-02. Review status: criteria provided, single submitter. Criteria: Invitae Variant Classification Sherloc (09022015). Collection method: clinical testing. Allele origin: germline.
Comment: This sequence change replaces alanine, which is neutral and non-polar, with serine, which is neutral and polar, at codon 207 of the CTNNA3 protein (p.Ala207Ser). This variant is not present in population databases (gnomAD no frequency). This variant has not been reported in the literature in individuals affected with CTNNA3-related conditions. ClinVar contains an entry for this variant (Variation ID: 2147324). Advanced modeling of protein sequence and biophysical properties (such as structural, functional, and spatial information, amino acid conservation, physicochemical variation, residue mobility, and thermodynamic stability) has been performed at Invitae for this missense variant, however the output from this modeling did not meet the statistical confidence thresholds required to predict the impact of this variant on CTNNA3 protein function. In summary, the available evidence is currently insufficient to determine the role of this variant in disease. Therefore, it has been classified as a Variant of Uncertain Significance.

NM_013266.4(CTNNA3):c.619G>T (p.Ala207Ser)

Gene: CTNNA3 (catenin alpha 3; minus strand). Cytogenetic location: 10q21.3.
Variant type: single nucleotide variant.
Coding change: c.619G>T on transcript NM_013266.4 (MANE Select); coding-DNA position 619, G replaced by T.
Protein change: p.Ala207Ser; replaces alanine 207 with serine.
Molecular consequence: missense variant.
Genome position (GRCh38, 1-based): chr10:67,219,831, C>A on the plus strand (G>T on the coding strand, the complement: CTNNA3 is on the minus strand). VCF-style: chr10-67219831-C-A. GRCh37 (hg19) VCF-style: chr10-68979589-C-A.
Other names: c.619G>T, p.Ala207Ser (NM_001127384.3); c.655G>T, p.Ala219Ser (NM_001291133.2); short protein forms A219S, A207S.
Identifiers: ClinVar variation 2147324 (VCV002147324.4), dbSNP rs1263441648, ClinGen allele CA377095942.